The following is an entry in ClinVar:

NM_052989.3(IFT122):c.1252G>A (p.Asp418Asn)

Gene: IFT122 (intraflagellar transport 122; plus strand). Cytogenetic location: 3q21.3.
Variant type: single nucleotide variant.
Coding change: c.1252G>A on transcript NM_052989.3 (MANE Select); coding-DNA position 1252, G replaced by A.
Protein change: p.Asp418Asn; replaces aspartic acid 418 with asparagine.
Molecular consequence: missense variant.
Genome position (GRCh38, 1-based): chr3:129,478,120, G>A. VCF-style: chr3-129478120-G-A. GRCh37 (hg19) VCF-style: chr3-129196963-G-A.
Other names: c.1228G>A, p.Asp410Asn (NM_001280541.2); c.802G>A, p.Asp268Asn (NM_001280545.2); c.625G>A, p.Asp209Asn (NM_001280546.2); c.1075G>A, p.Asp359Asn (NM_018262.4); c.1405G>A, p.Asp469Asn (NM_052985.4); c.919G>A, p.Asp307Asn (NM_052990.3); c.1405G>A (NM_052985.2); short protein forms D469N, D209N, D359N, D268N, D307N, D410N, D418N.
Identifiers: ClinVar variation 530928 (VCV000530928.14), dbSNP rs148626512, ClinGen allele CA2606114.

ClinVar aggregate classification (germline): Conflicting classifications of pathogenicity. Review status: criteria provided, conflicting classifications (1 of 4 stars). 4 submissions from 4 submitters: Uncertain significance (3); Likely benign (1). Last evaluated 2025-11-06.

Conditions:
Cranioectodermal dysplasia 1 (CED1). Also called: LEVIN SYNDROME I. Identifiers: Orphanet 1515, MedGen C0432235, MONDO:0021093, OMIM 218330.
Inborn genetic diseases. Identifiers: MedGen C0950123, MeSH D030342.

Allele frequency attached by ClinVar (database versions not stated): gnomAD exomes 0.00006 and 0.00010; ExAC 0.00013; 1000 Genomes Project 30x 0.00016; 1000 Genomes Project 0.00020; gnomAD 0.00033 and 0.00036; ESP Exome Variant Server 0.00038; TOPMed 0.00038.
gnomAD v4.1: 136 of 1,614,096 alleles (0.0084%); highest among the groups gnomAD compares: African/African-American, 0.13%; no homozygotes.

Submissions (4):

Labcorp Genetics (formerly Invitae), Labcorp
Classification: Likely benign for Cranioectodermal dysplasia 1. Last evaluated: 2025-11-06. Review status: criteria provided, single submitter. Criteria: Invitae Variant Classification Sherloc (09022015). Collection method: clinical testing. Allele origin: germline.

Fulgent Genetics
Classification: Uncertain significance for Cranioectodermal dysplasia 1. Last evaluated: 2024-03-08. Review status: criteria provided, single submitter. Criteria: ACMG Guidelines, 2015. Collection method: clinical testing. Allele origin: germline.

Ambry Genetics
Classification: Uncertain significance for Inborn genetic diseases. Last evaluated: 2021-10-12. Review status: criteria provided, single submitter. Criteria: Ambry Variant Classification Scheme 2023. Collection method: clinical testing. Allele origin: germline.

GeneDx
Classification: Uncertain significance. Last evaluated: 2019-12-17. Review status: criteria provided, single submitter. Criteria: GeneDx Variant Classification Process June 2021. Collection method: clinical testing. Allele origin: germline. Affected: yes.
Comment: In silico analysis, which includes protein predictors and evolutionary conservation, supports a deleterious effect; Has not been previously published as pathogenic or benign to our knowledge